The following is an entry in ClinVar:

NM_001365536.1(SCN9A):c.137C>G (p.Ala46Gly)

Gene: SCN9A (sodium voltage-gated channel alpha subunit 9; minus strand). Cytogenetic location: 2q24.3.
Variant type: single nucleotide variant.
Coding change: c.137C>G on transcript NM_001365536.1 (MANE Select); coding-DNA position 137, C replaced by G.
Protein change: p.Ala46Gly; replaces alanine 46 with glycine.
Molecular consequence: missense variant.
Genome position (GRCh38, 1-based): chr2:166,311,620, G>C on the plus strand (C>G on the coding strand, the complement: SCN9A is on the minus strand). VCF-style: chr2-166311620-G-C. GRCh37 (hg19) VCF-style: chr2-167168130-G-C.
Other names: c.137C>G, p.Ala46Gly (NM_002977.4); short protein forms A46G.
Identifiers: ClinVar variation 3748721 (VCV003748721.2).

ClinVar aggregate classification (germline): Uncertain significance (1 of 4 stars; one submission).

Conditions:
Generalized epilepsy with febrile seizures plus, type 7 (GEFSP7). Also called: GEFS+, TYPE 7. Identifiers: Orphanet 36387, MedGen C2751778, MONDO:0013470, OMIM 613863.
Neuropathy, hereditary sensory and autonomic, type 2A (HSAN2A). Also called: MORVAN DISEASE; NEUROPATHY, CONGENITAL SENSORY; NEUROPATHY, HEREDITARY SENSORY RADICULAR, AUTOSOMAL RECESSIVE; NEUROPATHY, HEREDITARY SENSORY, TYPE IIA; NEUROPATHY, PROGRESSIVE SENSORY, OF CHILDREN; HSAN IIA. Identifiers: Orphanet 970, MedGen C2752089, MONDO:0024309, OMIM 201300.

gnomAD v4.1: 2 of 1,613,046 alleles (0.00012%); highest among the groups gnomAD compares: Admixed American, 0.0017%; no homozygotes.

Submission:

Labcorp Genetics (formerly Invitae), Labcorp
Classification: Uncertain significance for Neuropathy, hereditary sensory and autonomic, type 2A; Generalized epilepsy with febrile seizures plus, type 7. Last evaluated: 2024-05-07. Review status: criteria provided, single submitter. Criteria: Invitae Variant Classification Sherloc (09022015). Collection method: clinical testing. Allele origin: germline.
Comment: This sequence change replaces alanine, which is neutral and non-polar, with glycine, which is neutral and non-polar, at codon 46 of the SCN9A protein (p.Ala46Gly). This variant is not present in population databases (gnomAD no frequency). This variant has not been reported in the literature in individuals affected with SCN9A-related conditions. Advanced modeling of protein sequence and biophysical properties (such as structural, functional, and spatial information, amino acid conservation, physicochemical variation, residue mobility, and thermodynamic stability) performed at Invitae indicates that this missense variant is not expected to disrupt SCN9A protein function with a negative predictive value of 95%. In summary, the available evidence is currently insufficient to determine the role of this variant in disease. Therefore, it has been classified as a Variant of Uncertain Significance.